The following is an entry in ClinVar:

NM_001042492.3(NF1):c.2033_2034delinsTA (p.Pro678Leu)

Gene: NF1 (neurofibromin 1; plus strand). Cytogenetic location: 17q11.2.
Variant type: Indel.
Coding change: c.2033_2034delinsTA on transcript NM_001042492.3 (MANE Select); coding-DNA positions 2033 to 2034, CG replaced by TA.
Protein change: p.Pro678Leu; replaces proline 678 with leucine.
Molecular consequence: missense variant.
Genome position (GRCh38, 1-based): chr17:31,226,466-31,226,467, CG replaced by TA. VCF-style: chr17-31226466-CG-TA. GRCh37 (hg19) VCF-style: chr17-29553484-CG-TA.
Other names: c.2033_2034delCGinsTA (NM_000267.3); c.2033_2034delCGinsTA, p.Pro678Leu (NM_000267.4); short protein forms P678L.
Identifiers: ClinVar variation 707503 (VCV000707503.11), dbSNP rs1597712334, ClinGen allele CA915949722.

ClinVar aggregate classification (germline): Conflicting classifications of pathogenicity. Review status: criteria provided, conflicting classifications (1 of 4 stars). 3 submissions from 3 submitters: Uncertain significance (1); Likely benign (2). Last evaluated 2026-09-22.

Conditions:
Neurofibromatosis, type 1 (NF1). Also called: Neurofibromatosis, type I; Peripheral type neurofibromatosis; VON RECKLINGHAUSEN DISEASE; NEUROFIBROMATOSIS, TYPE I, SOMATIC. Identifiers: Orphanet 636, MedGen C0027831, MONDO:0018975, OMIM 162200. Disease mechanism: loss of function.
Cardiovascular phenotype. Identifiers: MedGen CN230736.
Hereditary cancer-predisposing syndrome. Also called: Hereditary neoplastic syndrome; Neoplastic Syndromes, Hereditary; Tumor predisposition; Hereditary Cancer Syndrome. Identifiers: Orphanet 140162, MedGen C0027672, MeSH D009386, MONDO:0015356.

Submissions (3):

Myriad Genetics, Inc.
Classification: Likely benign for Neurofibromatosis, type 1. Last evaluated: 2026-09-22. Review status: criteria provided, single submitter. Criteria: Myriad Autosomal Dominant, Autosomal Recessive and X-Linked Classification Criteria (2023). Collection method: clinical testing. Allele origin: unknown.
Comment: This variant is considered likely benign. This variant has been observed at a population frequency that is significantly greater than expected given the associated disease prevalence and penetrance.

Labcorp Genetics (formerly Invitae), Labcorp
Classification: Likely benign for Neurofibromatosis, type 1. Last evaluated: 2025-10-23. Review status: criteria provided, single submitter. Criteria: Invitae Variant Classification Sherloc (09022015). Collection method: clinical testing. Allele origin: germline.

Ambry Genetics
Classification: Uncertain significance for Cardiovascular phenotype; Hereditary cancer-predisposing syndrome. Last evaluated: 2025-04-28. Review status: criteria provided, single submitter. Criteria: Ambry Variant Classification Scheme 2023. Collection method: clinical testing. Allele origin: germline.
Comment: The c.2033_2034delCGinsTA variant (also known as p.P678L), located in coding exon 18 of the NF1 gene, results from an in-frame deletion of CG and insertion of TA at nucleotide positions 2033 to 2034. This results in the substitution of the proline residue for a leucine residue at codon 678, an amino acid with similar properties. This amino acid position is highly conserved in available vertebrate species. In addition, the in silico prediction for this alteration is inconclusive (Choi Y et al. PLoS ONE. 2012; 7(10):e46688). Based on the available evidence, the clinical significance of this variant remains unclear.